The following is an entry in ClinVar:

NM_032638.5(GATA2):c.1261A>T (p.Met421Leu)

Gene: GATA2 (GATA binding protein 2; minus strand). Cytogenetic location: 3q21.3.
Variant type: single nucleotide variant.
Coding change: c.1261A>T on transcript NM_032638.5 (MANE Select); coding-DNA position 1261, A replaced by T.
Protein change: p.Met421Leu; replaces methionine 421 with leucine.
Molecular consequence: missense variant.
Genome position (GRCh38, 1-based): chr3:128,481,201, T>A on the plus strand (A>T on the coding strand, the complement: GATA2 is on the minus strand). VCF-style: chr3-128481201-T-A. GRCh37 (hg19) VCF-style: chr3-128200044-T-A.
Other names: c.1261A>T, p.Met421Leu (NM_001145661.2); c.1219A>T, p.Met407Leu (NM_001145662.1); short protein forms M407L, M421L.
Identifiers: ClinVar variation 946125 (VCV000946125.9), dbSNP rs764442526, ClinGen allele CA354412943.

ClinVar aggregate classification (germline): Uncertain significance (1 of 4 stars; one submission).

Conditions:
Deafness-lymphedema-leukemia syndrome. Also called: Emberger syndrome; Lymphedema, primary, with myelodysplasia. Identifiers: Orphanet 3226, MedGen C3279664, MONDO:0013540, OMIM 614038.
Monocytopenia with susceptibility to infections. Also called: IMMUNODEFICIENCY 21; GATA2 DEFICIENCY; MONOCYTOPENIA AND MYCOBACTERIAL INFECTION SYNDROME; MONOCYTOPENIA WITH SUSCEPTIBILITY TO MYCOBACTERIAL, FUNGAL, AND PAPILLOMAVIRUS INFECTIONS AND MYELODYSPLASIA; COMBINED IMMUNODEFICIENCY WITH SUSCEPTIBILITY TO MYCOBACTERIAL, VIRAL, AND FUNGAL INFECTIONS; Dendritic cell, monocyte, B lymphocyte, and natural killer lymphocyte deficiency. Identifiers: Orphanet 228423, MedGen C3280030, MONDO:0013607, OMIM 614172.

Submission:

Labcorp Genetics (formerly Invitae), Labcorp
Classification: Uncertain significance for Monocytopenia with susceptibility to infections; Deafness-lymphedema-leukemia syndrome. Last evaluated: 2019-05-02. Review status: criteria provided, single submitter. Criteria: Invitae Variant Classification Sherloc (09022015). Collection method: clinical testing. Allele origin: germline.
Comment: Algorithms developed to predict the effect of missense changes on protein structure and function are either unavailable or do not agree on the potential impact of this missense change (SIFT: "Tolerated"; PolyPhen-2: "Possibly Damaging"; Align-GVGD: "Class C0"). In summary, the available evidence is currently insufficient to determine the role of this variant in disease. Therefore, it has been classified as a Variant of Uncertain Significance. This variant has not been reported in the literature in individuals with GATA2-related conditions. This variant is not present in population databases (ExAC no frequency). This sequence change replaces methionine with leucine at codon 421 of the GATA2 protein (p.Met421Leu). The methionine residue is moderately conserved and there is a small physicochemical difference between methionine and leucine.